The following is an entry in ClinVar:

NM_173651.4(FSIP2):c.8662C>T (p.Leu2888Phe)

Genes: FSIP2 (fibrous sheath interacting protein 2; plus strand), FSIP2-AS1 (FSIP2 antisense RNA 1; minus strand). Cytogenetic location: 2q32.1.
Variant type: single nucleotide variant.
Coding change: c.8662C>T on transcript NM_173651.4 (MANE Select); coding-DNA position 8662, C replaced by T.
Protein change: p.Leu2888Phe; replaces leucine 2888 with phenylalanine.
Molecular consequence: missense variant.
Genome position (GRCh38, 1-based): chr2:185,795,798, C>T. VCF-style: chr2-185795798-C-T. GRCh37 (hg19) VCF-style: chr2-186660525-C-T.
Other names: short protein forms L2888F.
Identifiers: ClinVar variation 1050309 (VCV001050309.1), dbSNP rs760801976, ClinGen allele CA2016833.

ClinVar aggregate classification (germline): Uncertain significance (0 of 4 stars; one submission).

Allele frequency attached by ClinVar (database versions not stated): gnomAD exomes 0.00001 and 0.00003; TOPMed 0.00004; gnomAD 0.00005.
gnomAD v4.1: 45 of 1,533,838 alleles (0.0029%); highest among the groups gnomAD compares: African/African-American, 0.0082%; no homozygotes.

Submission:

Department of Pathology and Laboratory Medicine, Sinai Health System
Classification: Uncertain significance. Review status: no assertion criteria provided. Collection method: clinical testing. Allele origin: unknown. Affected: yes. Study: The Canadian Open Genetics Repository (COGR).
Comment: The FSIP2 p.Leu2888Phe variant was not identified in the literature nor was it identified in ClinVar, Cosmic or LOVD 3.0. The variant was identified in dbSNP (ID: rs760801976) and in control databases in 2 of 137584 chromosomes at a frequency of 0.000015 (Genome Aggregation Database Feb 27, 2017). The variant was observed in the following populations: African in 1 of 6754 chromosomes (freq: 0.000148) and European (non-Finnish) in 1 of 53984 chromosomes (freq: 0.000019); it was not observed in the Latino, Ashkenazi Jewish, East Asian, European (Finnish), Other or South Asian populations. The p.Leu2888 residue is conserved in mammals and computational analyses (PolyPhen-2, SIFT, AlignGVGD, BLOSUM, MutationTaster) provide inconsistent predictions regarding the impact to the protein; this information is not very predictive of pathogenicity. The variant occurs outside of the splicing consensus sequence and three of four in silico or computational prediction software programs (SpliceSiteFinder, MaxEntScan, NNSPLICE, GeneSplicer) do not predict a greater than 10% difference in splicing. In summary, based on the above information the clinical significance of this variant cannot be determined with certainty at this time. This variant is classified as a variant of uncertain significance.